The following is an entry in ClinVar:

NM_001184880.2(PCDH19):c.1249G>T (p.Asp417Tyr)

Gene: PCDH19 (protocadherin 19; minus strand). Cytogenetic location: Xq22.1.
Variant type: single nucleotide variant.
Coding change: c.1249G>T on transcript NM_001184880.2 (MANE Select); coding-DNA position 1249, G replaced by T.
Protein change: p.Asp417Tyr; replaces aspartic acid 417 with tyrosine.
Molecular consequence: missense variant.
Genome position (GRCh38, 1-based): chrX:100,407,349, C>A on the plus strand (G>T on the coding strand, the complement: PCDH19 is on the minus strand). VCF-style: chrX-100407349-C-A. GRCh37 (hg19) VCF-style: chrX-99662347-C-A.
Other names: c.1249G>T, p.Asp417Tyr (NM_001105243.2, NM_020766.3); short protein forms D417Y.
Identifiers: ClinVar variation 2136099 (VCV002136099.1), dbSNP rs2520984366, ClinGen allele CA414003441.

ClinVar aggregate classification (germline): Uncertain significance (1 of 4 stars; one submission).

Submission:

GeneDx
Classification: Uncertain significance. Last evaluated: 2023-01-12. Review status: criteria provided, single submitter. Criteria: GeneDx Variant Classification Process June 2021. Collection method: clinical testing. Allele origin: germline. Affected: yes.
Comment: Not observed at significant frequency in large population cohorts (gnomAD); Missense variants in this gene are often considered pathogenic (HGMD); In silico analysis supports that this missense variant has a deleterious effect on protein structure/function; Has not been previously published as pathogenic or benign to our knowledge